The following is an entry in ClinVar:

NM_001164665.2(KIAA1549):c.4382C>T (p.Ser1461Leu)

Gene: KIAA1549 (KIAA1549; minus strand). Cytogenetic location: 7q34.
Variant type: single nucleotide variant.
Coding change: c.4382C>T on transcript NM_001164665.2 (MANE Select); coding-DNA position 4382, C replaced by T.
Protein change: p.Ser1461Leu; replaces serine 1461 with leucine.
Molecular consequence: missense variant.
Genome position (GRCh38, 1-based): chr7:138,871,326, G>A on the plus strand (C>T on the coding strand, the complement: KIAA1549 is on the minus strand). VCF-style: chr7-138871326-G-A. GRCh37 (hg19) VCF-style: chr7-138556072-G-A.
Other names: c.4382C>T, p.Ser1461Leu (NM_020910.3); short protein forms S1461L.
Identifiers: ClinVar variation 845977 (VCV000845977.9), dbSNP rs1810930977, ClinGen allele CA16040382.

ClinVar aggregate classification (germline): Uncertain significance (1 of 4 stars; one submission).

Submission:

Labcorp Genetics (formerly Invitae), Labcorp
Classification: Uncertain significance. Last evaluated: 2019-11-23. Review status: criteria provided, single submitter. Criteria: Invitae Variant Classification Sherloc (09022015). Collection method: clinical testing. Allele origin: germline.
Comment: This variant has not been reported in the literature in individuals with KIAA1549-related conditions. In summary, the available evidence is currently insufficient to determine the role of this variant in disease. Therefore, it has been classified as a Variant of Uncertain Significance. Algorithms developed to predict the effect of missense changes on protein structure and function (SIFT, PolyPhen-2, Align-GVGD) all suggest that this variant is likely to be disruptive, but these predictions have not been confirmed by published functional studies and their clinical significance is uncertain. This variant is not present in population databases (ExAC no frequency). This sequence change replaces serine with leucine at codon 1461 of the KIAA1549 protein (p.Ser1461Leu). The serine residue is highly conserved and there is a large physicochemical difference between serine and leucine.